The following is an entry in ClinVar:

NM_153209.4(KIF19):c.1048-7C>G

Gene: KIF19 (kinesin family member 19; plus strand). Cytogenetic location: 17q25.1.
Variant type: single nucleotide variant.
Coding change: c.1048-7C>G on transcript NM_153209.4 (MANE Select); 7 bases into the intron before coding-DNA position 1048, C replaced by G.
Molecular consequence: intron variant.
Genome position (GRCh38, 1-based): chr17:74,349,177, C>G. VCF-style: chr17-74349177-C-G. GRCh37 (hg19) VCF-style: chr17-72345316-C-G.
Identifiers: ClinVar variation 3234272 (VCV003234272.20), dbSNP rs199507452, ClinGen allele CA8746350.

ClinVar aggregate classification (germline): Benign (1 of 4 stars; one submission).

Allele frequency attached by ClinVar (database versions not stated): ESP Exome Variant Server 0.00008; gnomAD exomes 0.00023; gnomAD 0.00025; 1000 Genomes Project 30x 0.00031; TOPMed 0.00033; ExAC 0.00039; 1000 Genomes Project 0.00040.

Submission:

CeGaT Center for Human Genetics Tuebingen
Classification: Benign. Last evaluated: 2024-03-01. Review status: criteria provided, single submitter. Criteria: CeGaT Center For Human Genetics Tuebingen Variant Classification Criteria Version 2. Collection method: clinical testing. Allele origin: germline. Affected: yes. Observed: 1 variant allele.
Comment: KIF19: BP4, BS1, BS2